The following is an entry in ClinVar:

NM_012186.3(FOXE3):c.742G>T (p.Ala248Ser)

Genes: FOXE3 (forkhead box E3; plus strand), LINC01389 (long independently transcribed non-coding RNA 1389; minus strand). Cytogenetic location: 1p33.
Variant type: single nucleotide variant.
Coding change: c.742G>T on transcript NM_012186.3 (MANE Select); coding-DNA position 742, G replaced by T.
Protein change: p.Ala248Ser; replaces alanine 248 with serine.
Molecular consequence: missense variant.
Genome position (GRCh38, 1-based): chr1:47,417,057, G>T. VCF-style: chr1-47417057-G-T. GRCh37 (hg19) VCF-style: chr1-47882729-G-T.
Other names: short protein forms A248S.
Identifiers: ClinVar variation 2944481 (VCV002944481.3), dbSNP rs1219724642, ClinGen allele CA340250627.
Genomic context (GRCh38, chr1:47,417,057, plus strand): 5'-GAGCTAGCGGGGCTGGGCGCCCCCGAGCCGCCCTGCTGCGCCGCGCCCGACGCCGCAGCC[G>T]CAGCCTTCCCGCCCTGCGCTGCCGCCGCCTCCCCGCCACTCTACTCGCAGGTCCCCGACC-3'
Protein context (NP_036318.1, residues 238-258): PCCAAPDAAA[Ala248Ser]AFPPCAAAAS

ClinVar aggregate classification (germline): Uncertain significance (1 of 4 stars; one submission).

Conditions:
Anterior segment dysgenesis. Also called: Ocular anterior segment dysgenesis. Identifiers: Orphanet 88632, MedGen C1862839, MONDO:0019503, HP:0007700.
Congenital primary aphakia. Also called: Anterior segment dysgenesis 2, multiple subtypes; ANTERIOR SEGMENT DYSGENESIS 2. Identifiers: Orphanet 83461, MedGen C1853230, MONDO:0012456, OMIM 610256.

Submission:

Labcorp Genetics (formerly Invitae), Labcorp
Classification: Uncertain significance for Anterior segment dysgenesis; Congenital primary aphakia. Last evaluated: 2023-02-18. Review status: criteria provided, single submitter. Criteria: Invitae Variant Classification Sherloc (09022015). Collection method: clinical testing. Allele origin: germline.
Comment: Advanced modeling of protein sequence and biophysical properties (such as structural, functional, and spatial information, amino acid conservation, physicochemical variation, residue mobility, and thermodynamic stability) performed at Invitae indicates that this missense variant is not expected to disrupt FOXE3 protein function. In summary, the available evidence is currently insufficient to determine the role of this variant in disease. Therefore, it has been classified as a Variant of Uncertain Significance. This variant has not been reported in the literature in individuals affected with FOXE3-related conditions. This variant is not present in population databases (gnomAD no frequency). This sequence change replaces alanine, which is neutral and non-polar, with serine, which is neutral and polar, at codon 248 of the FOXE3 protein (p.Ala248Ser).